The following is an entry in ClinVar:

NM_000143.4(FH):c.824_827dup (p.Thr277fs)

Gene: FH (fumarate hydratase; minus strand). Cytogenetic location: 1q43.
Variant type: Duplication.
Coding change: c.824_827dup on transcript NM_000143.4 (MANE Select); coding-DNA positions 824 to 827, 4 bases duplicated (GAGG; older notation c.824_827dupGAGG).
Protein change: p.Thr277fs; shifts the reading frame from threonine 277.
Molecular consequence: frameshift variant.
Genome position (GRCh38, 1-based): chr1:241,506,080-241,506,083, CCTC duplicated on the plus strand (GAGG on the coding strand, the reverse complement: FH is on the minus strand); duplicating any 4 consecutive bases within chr1:241,506,080-241,506,084 gives the same sequence; the c. name uses the placement nearest the transcript's 3' end. VCF-style (leftmost placement, unchanged base first): chr1-241506079-G-GCCTC. GRCh37 (hg19) VCF-style: chr1-241669379-G-GCCTC.
Other names: c.824_827dupGAGG (NM_000143.3); short protein forms T277fs.
Identifiers: ClinVar variation 958622 (VCV000958622.12), dbSNP rs1659922131, ClinGen allele CA1139656724.

ClinVar aggregate classification (germline): Pathogenic. Review status: criteria provided, multiple submitters, no conflicts (2 of 4 stars). 3 submissions from 3 submitters: Pathogenic (3). Last evaluated 2025-10-13.

Conditions:
Hereditary cancer-predisposing syndrome. Also called: Hereditary neoplastic syndrome; Neoplastic Syndromes, Hereditary; Hereditary Cancer Syndrome; Tumor predisposition. Identifiers: Orphanet 140162, MedGen C0027672, MeSH D009386, MONDO:0015356.
Hereditary leiomyomatosis and renal cell cancer. Also called: LEIOMYOMA, MULTIPLE CUTANEOUS; Familial leiomyomatosis; MULTIPLE CUTANEOUS AND UTERINE LEIOMYOMATA 1, WITH OR WITHOUT RENAL CELL CARCINOMA; Multiple cutaneous leiomyomas; FH tumor predisposition syndrome; Reed syndrome. Identifiers: Orphanet 523, MedGen C1708350, MONDO:0007888, OMIM 150800, HP:0007437. Disease mechanism: loss of function.

Submissions (3):

Labcorp Genetics (formerly Invitae), Labcorp
Classification: Pathogenic. Last evaluated: 2025-10-13. Review status: criteria provided, single submitter. Criteria: Invitae Variant Classification Sherloc (09022015). Collection method: clinical testing. Allele origin: germline.
Comment: This sequence change creates a premature translational stop signal (p.Thr277Argfs*11) in the FH gene. It is expected to result in an absent or disrupted protein product. Loss-of-function variants in FH are known to be pathogenic (PMID: 11865300, 21398687). This variant is not present in population databases (gnomAD no frequency). This variant has not been reported in the literature in individuals affected with FH-related conditions. ClinVar contains an entry for this variant (Variation ID: 958622). For these reasons, this variant has been classified as Pathogenic.

Ambry Genetics
Classification: Pathogenic for Hereditary cancer-predisposing syndrome. Last evaluated: 2025-06-13. Review status: criteria provided, single submitter. Criteria: Ambry Variant Classification Scheme 2023. Collection method: clinical testing. Allele origin: germline.
Comment: The c.824_827dupGAGG pathogenic mutation, located in coding exon 6 of the FH gene, results from a duplication of GAGG at nucleotide position 824, causing a translational frameshift with a predicted alternate stop codon (p.T277Rfs*11). This alteration is expected to result in loss of function by premature protein truncation or nonsense-mediated mRNA decay. As such, this alteration is interpreted as a disease-causing mutation.

Myriad Genetics, Inc.
Classification: Pathogenic for Hereditary leiomyomatosis and renal cell cancer. Last evaluated: 2023-01-11. Review status: criteria provided, single submitter. Criteria: Myriad Autosomal Dominant, Autosomal Recessive and X-Linked Classification Criteria (2023). Collection method: clinical testing. Allele origin: unknown.
Comment: This variant is considered pathogenic. This variant creates a frameshift predicted to result in premature protein truncation.

Literature cited by the submitters: PubMed 11865300 (cited by Labcorp Genetics (formerly Invitae), Labcorp); PubMed 21398687 (cited by Labcorp Genetics (formerly Invitae), Labcorp).